The following is an entry in ClinVar:

NM_001142800.2(EYS):c.2525C>A (p.Thr842Asn)

Gene: EYS (eyes shut homolog; minus strand). Cytogenetic location: 6q12.
Variant type: single nucleotide variant.
Coding change: c.2525C>A on transcript NM_001142800.2 (MANE Select); coding-DNA position 2525, C replaced by A.
Protein change: p.Thr842Asn; replaces threonine 842 with asparagine.
Molecular consequence: missense variant.
Genome position (GRCh38, 1-based): chr6:64,912,600, G>T on the plus strand (C>A on the coding strand, the complement: EYS is on the minus strand). VCF-style: chr6-64912600-G-T. GRCh37 (hg19) VCF-style: chr6-65622493-G-T.
Other names: c.2525C>A, p.Thr842Asn (NM_001292009.2); short protein forms T842N.
Identifiers: ClinVar variation 1032662 (VCV001032662.1), dbSNP rs1768034633, ClinGen allele CA364786325.
Genomic context (GRCh38, chr6:64,912,600, plus strand): 5'-TTTCTGCAAGGGTTATGAAGTAGGTCACAAAGGTTATAGCGTTGGTGGCAAAATTGTCCA[G>T]TATAAAGGGGTGGGCACAGACATACAAATTGTCCAGGGATGGTAGATTCATGACAAAGAC-3'
Protein context (NP_001136272.1, residues 832-852): QFVCLCPPLY[Thr842Asn]GQFCHQRYNL

ClinVar aggregate classification (germline): Uncertain significance (1 of 4 stars; one submission).

Conditions:
Retinitis pigmentosa 25 (RP25). Identifiers: Orphanet 791, MedGen C1864446, MONDO:0011272, OMIM 602772.

Submission:

Baylor Genetics
Classification: Uncertain significance for Retinitis pigmentosa 25. Last evaluated: 2018-06-22. Review status: criteria provided, single submitter. Criteria: ACMG Guidelines, 2015. Collection method: clinical testing. Allele origin: unknown. Affected: yes.
Comment: This variant was determined to be of uncertain significance according to ACMG Guidelines, 2015 [PMID:25741868].